The following is an entry in ClinVar:

NM_170606.3(KMT2C):c.4791C>T (p.Ala1597=)

Gene: KMT2C (lysine methyltransferase 2C; minus strand). Cytogenetic location: 7q36.1.
Variant type: single nucleotide variant.
Coding change: c.4791C>T on transcript NM_170606.3 (MANE Select); coding-DNA position 4791, C replaced by T.
Protein change: p.Ala1597=; no amino-acid change (alanine 1597 retained).
Molecular consequence: synonymous variant.
Genome position (GRCh38, 1-based): chr7:152,187,717, G>A on the plus strand (C>T on the coding strand, the complement: KMT2C is on the minus strand). VCF-style: chr7-152187717-G-A. GRCh37 (hg19) VCF-style: chr7-151884802-G-A.
Identifiers: ClinVar variation 2179650 (VCV002179650.4), dbSNP rs752426008, ClinGen allele CA4580427.

ClinVar aggregate classification (germline): Uncertain significance (1 of 4 stars; one submission).

Allele frequency attached by ClinVar (database versions not stated): ExAC 0.00001; gnomAD 0.00012; TOPMed 0.00015.
gnomAD v4.1: 36 of 1,612,554 alleles (0.0022%); highest among the groups gnomAD compares: African/African-American, 0.036%; 1 homozygote.

Submission:

Labcorp Genetics (formerly Invitae), Labcorp
Classification: Uncertain significance. Last evaluated: 2023-02-04. Review status: criteria provided, single submitter. Criteria: Invitae Variant Classification Sherloc (09022015). Collection method: clinical testing. Allele origin: germline.
Comment: In summary, the available evidence is currently insufficient to determine the role of this variant in disease. Therefore, it has been classified as a Variant of Uncertain Significance. Algorithms developed to predict the effect of sequence changes on RNA splicing suggest that this variant may disrupt the consensus splice site. This variant has not been reported in the literature in individuals affected with KMT2C-related conditions. This variant is present in population databases (rs752426008, gnomAD 0.02%). This sequence change affects codon 1597 of the KMT2C mRNA. It is a 'silent' change, meaning that it does not change the encoded amino acid sequence of the KMT2C protein.